The following is an entry in ClinVar:

ClinVar aggregate classification (germline): Uncertain significance. Review status: criteria provided, multiple submitters, no conflicts (2 of 4 stars). 2 submissions from 2 submitters: Uncertain significance (2). Last evaluated 2024-04-11.

Conditions:
Myopathy with tubular aggregates (TAM). Also called: Tubular Aggregate Myopathy. Identifiers: Orphanet 2593, MedGen C0410207, MONDO:0008051.
Stormorken syndrome (STRMK). Also called: THROMBOCYTOPATHY, ASPLENIA, AND MIOSIS. Identifiers: Orphanet 3204, MedGen C1861451, MONDO:0008497, OMIM 185070.
Combined immunodeficiency due to STIM1 deficiency. Also called: STIM1 DEFICIENCY; IMMUNODEFICIENCY 10. Identifiers: Orphanet 169090, Orphanet 317430, MedGen C2748557, MONDO:0013008, OMIM 612783.

Allele frequency attached by ClinVar (database versions not stated): gnomAD exomes 0.00001.

Submissions (2):

Labcorp Genetics (formerly Invitae), Labcorp
Classification: Uncertain significance for Myopathy with tubular aggregates; Combined immunodeficiency due to STIM1 deficiency; Stormorken syndrome. Last evaluated: 2024-04-11. Review status: criteria provided, single submitter. Criteria: Invitae Variant Classification Sherloc (09022015). Collection method: clinical testing. Allele origin: germline.
Comment: This sequence change replaces valine, which is neutral and non-polar, with isoleucine, which is neutral and non-polar, at codon 324 of the STIM1 protein (p.Val324Ile). This variant is not present in population databases (gnomAD no frequency). This variant has not been reported in the literature in individuals affected with STIM1-related conditions. ClinVar contains an entry for this variant (Variation ID: 2065441). An algorithm developed to predict the effect of missense changes on protein structure and function (PolyPhen-2) suggests that this variant is likely to be tolerated. In summary, the available evidence is currently insufficient to determine the role of this variant in disease. Therefore, it has been classified as a Variant of Uncertain Significance.

CeGaT Center for Human Genetics Tuebingen
Classification: Uncertain significance. Last evaluated: 2022-11-01. Review status: criteria provided, single submitter. Criteria: CeGaT Center For Human Genetics Tuebingen Variant Classification Criteria Version 2. Collection method: clinical testing. Allele origin: germline. Affected: yes. Observed: 1 variant allele.
Comment: STIM1: PM2

NM_001382567.1(STIM1):c.970G>A (p.Val324Ile)

Gene: STIM1 (stromal interaction molecule 1; plus strand). Cytogenetic location: 11p15.4.
Variant type: single nucleotide variant.
Coding change: c.970G>A on transcript NM_001382567.1 (MANE Select); coding-DNA position 970, G replaced by A.
Protein change: p.Val324Ile; replaces valine 324 with isoleucine.
Molecular consequence: missense variant. On other transcripts: non-coding transcript variant (2).
Genome position (GRCh38, 1-based): chr11:4,082,184, G>A. VCF-style: chr11-4082184-G-A. GRCh37 (hg19) VCF-style: chr11-4103414-G-A.
Other names: c.970G>A, p.Val324Ile (NM_001277961.3, NM_001277962.2, NM_001382568.1 and 1 more transcripts); c.748G>A, p.Val250Ile (NM_001382566.1, NM_001382573.1, NM_001382575.1 and 4 more transcripts); c.835G>A, p.Val279Ile (NM_001382569.1); c.742G>A, p.Val248Ile (NM_001382570.1); c.490G>A, p.Val164Ile (NM_001382571.1); c.481G>A, p.Val161Ile (NM_001382580.1, NM_001382581.1); short protein forms V164I, V248I, V324I, V250I, V161I, V279I.
Identifiers: ClinVar variation 2065441 (VCV002065441.28), dbSNP rs2498465033, ClinGen allele CA379192118.